The following is an entry in ClinVar:

NM_177417.3(KLC3):c.1413C>T (p.Asn471=)

Genes: KLC3 (kinesin light chain 3; plus strand), ERCC2 (ERCC excision repair 2, TFIIH core complex helicase subunit; minus strand). Cytogenetic location: 19q13.32.
Variant type: single nucleotide variant.
Coding change: c.1413C>T on transcript NM_177417.3 (MANE Select); coding-DNA position 1413, C replaced by T.
Protein change: p.Asn471=; no amino-acid change (asparagine 471 retained).
Molecular consequence: synonymous variant. On other transcripts: 3 prime UTR variant (1).
Genome position (GRCh38, 1-based): chr19:45,350,987, C>T. VCF-style: chr19-45350987-C-T. GRCh37 (hg19) VCF-style: chr19-45854245-C-T.
Other names: c.*642G>A (NM_000400.4).
Identifiers: ClinVar variation 3898412 (VCV003898412.7).

ClinVar aggregate classification (germline): Likely benign (1 of 4 stars; one submission).

gnomAD v4.1: 34 of 1,613,998 alleles (0.0021%); highest among the groups gnomAD compares: East Asian, 0.0067%; no homozygotes.

Submission:

CeGaT Center for Human Genetics Tuebingen
Classification: Likely benign. Last evaluated: 2025-04-01. Review status: criteria provided, single submitter. Criteria: CeGaT Center For Human Genetics Tuebingen Variant Classification Criteria Version 2. Collection method: clinical testing. Allele origin: germline. Affected: yes. Observed: 1 variant allele.
Comment: KLC3: BP4, BP7